The following is an entry in ClinVar:

NM_001009999.3(KDM1A):c.116C>T (p.Ala39Val)

Gene: KDM1A (lysine demethylase 1A; plus strand). Cytogenetic location: 1p36.12.
Variant type: single nucleotide variant.
Coding change: c.116C>T on transcript NM_001009999.3 (MANE Select); coding-DNA position 116, C replaced by T.
Protein change: p.Ala39Val; replaces alanine 39 with valine.
Molecular consequence: missense variant.
Genome position (GRCh38, 1-based): chr1:23,019,712, C>T. VCF-style: chr1-23019712-C-T. GRCh37 (hg19) VCF-style: chr1-23346205-C-T.
Other names: c.116C>T, p.Ala39Val (NM_001363654.2, NM_001410762.1, NM_001410763.1 and 1 more transcripts); short protein forms A39V.
Identifiers: ClinVar variation 3863224 (VCV003863224.1).

ClinVar aggregate classification (germline): Uncertain significance (1 of 4 stars; one submission).

Conditions:
Inborn genetic diseases. Identifiers: MedGen C0950123, MeSH D030342.

gnomAD v4.1: 3 of 1,325,270 alleles (0.00023%); highest among the groups gnomAD compares: Non-Finnish European, 0.00019%; no homozygotes.

Submission:

Ambry Genetics
Classification: Uncertain significance for Inborn genetic diseases. Last evaluated: 2024-12-21. Review status: criteria provided, single submitter. Criteria: Ambry Variant Classification Scheme 2023. Collection method: clinical testing. Allele origin: germline.
Comment: The p.A39V variant (also known as c.116C>T), located in coding exon 1 of the KDM1A gene, results from a C to T substitution at nucleotide position 116. The alanine at codon 39 is replaced by valine, an amino acid with similar properties. This amino acid position is conserved. In addition, this alteration is predicted to be tolerated by in silico analysis. Based on the available evidence, the clinical significance of this variant remains unclear.